The following is an entry in ClinVar:

NM_022168.4(IFIH1):c.1787A>G (p.Lys596Arg)

Gene: IFIH1 (interferon induced with helicase C domain 1; minus strand). Cytogenetic location: 2q24.2.
Variant type: single nucleotide variant.
Coding change: c.1787A>G on transcript NM_022168.4 (MANE Select); coding-DNA position 1787, A replaced by G.
Protein change: p.Lys596Arg; replaces lysine 596 with arginine.
Molecular consequence: missense variant.
Genome position (GRCh38, 1-based): chr2:162,277,672, T>C on the plus strand (A>G on the coding strand, the complement: IFIH1 is on the minus strand). VCF-style: chr2-162277672-T-C. GRCh37 (hg19) VCF-style: chr2-163134182-T-C.
Other names: short protein forms K596R.
Identifiers: ClinVar variation 2944869 (VCV002944869.3), dbSNP rs755951360, ClinGen allele CA1934389.

ClinVar aggregate classification (germline): Uncertain significance (1 of 4 stars; one submission).

Conditions:
Aicardi-Goutieres syndrome 7 (AGS7). Identifiers: Orphanet 51, MedGen C3888244, MONDO:0014367, OMIM 615846.
Singleton-Merten syndrome 1 (SGMRT1). Also called: Widened medullary cavities of bone, aortic calcification, abnormal dentition, and muscular weakness; Syndrome of widened medullary cavities of the metacarpals and phalanges, aortic calcification and abnormal dentition. Identifiers: Orphanet 85191, MedGen C4225427, MONDO:0024535, OMIM 182250.

Allele frequency attached by ClinVar (database versions not stated): gnomAD 0.00001; gnomAD exomes 0.00001; ExAC 0.00001.
gnomAD v4.1: 10 of 1,604,300 alleles (0.00062%); highest among the groups gnomAD compares: Non-Finnish European, 0.00085%; no homozygotes.

Submission:

Labcorp Genetics (formerly Invitae), Labcorp
Classification: Uncertain significance for Aicardi-Goutieres syndrome 7; Singleton-Merten syndrome 1. Last evaluated: 2025-06-15. Review status: criteria provided, single submitter. Criteria: Invitae Variant Classification Sherloc (09022015). Collection method: clinical testing. Allele origin: germline.
Comment: This sequence change replaces lysine, which is basic and polar, with arginine, which is basic and polar, at codon 596 of the IFIH1 protein (p.Lys596Arg). This variant is present in population databases (rs755951360, gnomAD 0.002%). This variant has not been reported in the literature in individuals affected with IFIH1-related conditions. ClinVar contains an entry for this variant (Variation ID: 2944869). Invitae Evidence Modeling of protein sequence and biophysical properties (such as structural, functional, and spatial information, amino acid conservation, physicochemical variation, residue mobility, and thermodynamic stability) has been performed for this missense variant. However, the output from this modeling did not meet the statistical confidence thresholds required to predict the impact of this variant on IFIH1 protein function. In summary, the available evidence is currently insufficient to determine the role of this variant in disease. Therefore, it has been classified as a Variant of Uncertain Significance.